The following is an entry in ClinVar:

NM_001130823.3(DNMT1):c.1154A>G (p.Gln385Arg)

Gene: DNMT1 (DNA methyltransferase 1; minus strand). Cytogenetic location: 19p13.2.
Variant type: single nucleotide variant.
Coding change: c.1154A>G on transcript NM_001130823.3 (MANE Select); coding-DNA position 1154, A replaced by G.
Protein change: p.Gln385Arg; replaces glutamine 385 with arginine.
Molecular consequence: missense variant.
Genome position (GRCh38, 1-based): chr19:10,159,858, T>C on the plus strand (A>G on the coding strand, the complement: DNMT1 is on the minus strand). VCF-style: chr19-10159858-T-C. GRCh37 (hg19) VCF-style: chr19-10270534-T-C.
Other names: c.1106A>G, p.Gln369Arg (NM_001318730.2, NM_001379.4); c.791A>G, p.Gln264Arg (NM_001318731.2); short protein forms Q264R, Q369R, Q385R.
Identifiers: ClinVar variation 4807264 (VCV004807264.1).

ClinVar aggregate classification (germline): Uncertain significance (1 of 4 stars; one submission).

Conditions:
Hereditary sensory neuropathy-deafness-dementia syndrome. Also called: Hereditary sensory neuropathy type IE; HSN IE; NEUROPATHY, HEREDITARY SENSORY, WITH HEARING LOSS AND DEMENTIA; Hereditary Sensory and Autonomic Neuropathy Type 1E (HSAN1E). Identifiers: Orphanet 456318, MedGen C3279885, MONDO:0013584, OMIM 614116.

Submission:

Labcorp Genetics (formerly Invitae), Labcorp
Classification: Uncertain significance for Hereditary sensory neuropathy-deafness-dementia syndrome. Last evaluated: 2026-02-02. Review status: criteria provided, single submitter. Criteria: Invitae Variant Classification Sherloc (09022015). Collection method: clinical testing. Allele origin: germline.
Comment: This sequence change replaces glutamine, which is neutral and polar, with arginine, which is basic and polar, at codon 385 of the DNMT1 protein (p.Gln385Arg). This variant is not present in population databases (gnomAD no frequency). This variant has not been reported in the literature in individuals affected with DNMT1-related conditions. Invitae Evidence Modeling of protein sequence and biophysical properties (such as structural, functional, and spatial information, amino acid conservation, physicochemical variation, residue mobility, and thermodynamic stability) indicates that this missense variant is not expected to disrupt DNMT1 protein function with a negative predictive value of 80%. In summary, the available evidence is currently insufficient to determine the role of this variant in disease. Therefore, it has been classified as a Variant of Uncertain Significance.